The following is an entry in ClinVar:

NM_031229.4(RBCK1):c.582+1G>A

Gene: RBCK1 (RANBP2-type and C3HC4-type zinc finger containing 1; plus strand). Cytogenetic location: 20p13.
Variant type: single nucleotide variant.
Coding change: c.582+1G>A on transcript NM_031229.4 (MANE Select); the canonical splice donor site of the intron after coding-DNA position 582, G replaced by A.
Molecular consequence: splice donor variant.
Genome position (GRCh38, 1-based): chr20:419,469, G>A. VCF-style: chr20-419469-G-A. GRCh37 (hg19) VCF-style: chr20-400113-G-A.
Other names: c.633+1G>A (NM_001410770.1); c.233+1G>A (NM_001323956.2, NM_001323958.2); c.456+1G>A (NM_006462.6); c.582+1G>A (NM_031229.3).
Identifiers: ClinVar variation 931108 (VCV000931108.5), dbSNP rs1017046170, ClinGen allele CA310619966.

ClinVar aggregate classification (germline): Likely pathogenic. Review status: criteria provided, multiple submitters, no conflicts (2 of 4 stars). 3 submissions from 3 submitters: Likely pathogenic (3). Last evaluated 2024-03-04.

Conditions:
RBCK1-related disorder. Also called: RBCK1-related condition.
Polyglucosan body myopathy type 1 (PGBM1). Also called: Polyglucosan body myopathy 1 with or without immunodeficiency; POLYGLUCOSAN BODY MYOPATHY WITHOUT IMMUNODEFICIENCY. Identifiers: Orphanet 329173, Orphanet 397937, MedGen C4014605, MONDO:0014389, OMIM 615895.

Submissions (3):

Blueprint Genetics
Classification: Likely pathogenic for RBCK1-related disorders. Last evaluated: 2024-03-04. Review status: criteria provided, single submitter. Criteria: ACMG Guidelines, 2015. Collection method: clinical testing. Allele origin: germline. Affected: yes. Observed: 1 variant allele.

Women's Health and Genetics/Laboratory Corporation of America, LabCorp
Classification: Likely pathogenic for Polyglucosan body myopathy type 1. Last evaluated: 2023-08-11. Review status: criteria provided, single submitter. Criteria: LabCorp Variant Classification Summary - May 2015. Collection method: clinical testing. Allele origin: germline.
Comment: Variant summary: RBCK1 c.582+1G>A is located in a canonical splice-site and is predicted to affect mRNA splicing resulting in a significantly altered protein due to either exon skipping, shortening, or inclusion of intronic material. Several computational tools predict a significant impact on normal splicing: Four predict the variant abolishes a canonical 5' splicing donor site. However, these predictions have yet to be confirmed by functional studies. The variant was absent in 238700 control chromosomes (gnomAD). To our knowledge, no occurrence of c.582+1G>A in individuals affected with Polyglucosan Body Myopathy Type 1 and no experimental evidence demonstrating its impact on protein function have been reported. One ClinVar submitter has assessed the variant since 2014, and classified the variant as pathogenic/likely pathogenic. Based on the evidence outlined above, the variant was classified as likely pathogenic.

Centre for Mendelian Genomics, University Medical Centre Ljubljana
Classification: Likely pathogenic for Polyglucosan body myopathy type 1. Last evaluated: 2019-05-13. Review status: criteria provided, single submitter. Criteria: ACMG Guidelines, 2015. Collection method: clinical testing. Allele origin: unknown. Affected: yes.
Comment: This variant was classified as: Likely pathogenic. The following ACMG criteria were applied in classifying this variant: PVS1,PM2.